The following is an entry in ClinVar:

NM_000334.4(SCN4A):c.3633C>A (p.Ser1211Arg)

Genes: GH-LCR (growth hormone locus control region; plus strand), SCN4A (sodium voltage-gated channel alpha subunit 4; minus strand). Cytogenetic location: 17q23.3.
Variant type: single nucleotide variant.
Coding change: c.3633C>A on transcript NM_000334.4 (MANE Select); coding-DNA position 3633, C replaced by A.
Protein change: p.Ser1211Arg; replaces serine 1211 with arginine.
Molecular consequence: missense variant.
Genome position (GRCh38, 1-based): chr17:63,945,447, G>T on the plus strand (C>A on the coding strand, the complement: SCN4A is on the minus strand). VCF-style: chr17-63945447-G-T. GRCh37 (hg19) VCF-style: chr17-62022807-G-T.
Other names: short protein forms S1211R.
Identifiers: ClinVar variation 3582658 (VCV003582658.3).
Genomic context (GRCh38, chr17:63,945,447, plus strand): 5'-ACCCACGTTGTCGTAGTTGACCTTGACATTGAGCCAGCGGACCTGGCCTGTGTGCATGAG[G>T]CTCTCGCACTCAGACTTGTTGTTGACCTCGGAGATGTCGAACCTCTCAGAGGTGGTGGTG-3'
Protein context (NP_000325.4, residues 1201-1221): SEVNNKSECE[Ser1211Arg]LMHTGQVRWL

ClinVar aggregate classification (germline): Uncertain significance. Review status: criteria provided, multiple submitters, no conflicts (2 of 4 stars). 2 submissions from 2 submitters: Uncertain significance (2). Last evaluated 2026-01-12.

Conditions:
Congenital myopathy 22A, classic (CMYO22A). Identifiers: MedGen C5830453, MONDO:0957247, OMIM 620351.
Hypokalemic periodic paralysis, type 2 (HOKPP2). Identifiers: Orphanet 681, MedGen C2750061, MONDO:0013234, OMIM 613345.
Hyperkalemic periodic paralysis. Also called: Gamstorp disease; Familial hyperkalemic periodic paralysis. Identifiers: Orphanet 682, MedGen C0238357, MONDO:0008224, OMIM 170500, HP:0007215.
Congenital myopathy 22B, severe fetal (CMYO22B). Identifiers: MedGen C5830501, MONDO:0957265, OMIM 620369.
Congenital myasthenic syndrome 16. Identifiers: Orphanet 590, MedGen C3280112, MONDO:0013620, OMIM 614198.
Potassium-aggravated myotonia. Also called: MYOTONIA CONGENITA, ACETAZOLAMIDE-RESPONSIVE; MYOTONIA CONGENITA, ATYPICAL; SODIUM CHANNEL MUSCLE DISEASE; Myotonia congenita, atypical, acetazolamide-responsive. Identifiers: Orphanet 612, Orphanet 99734, Orphanet 99735, Orphanet 99736, MedGen C2931826, MONDO:0018959, OMIM 608390.
Paramyotonia congenita of Von Eulenburg. Also called: PARALYSIS PERIODICA PARAMYOTONICA; Eulenburg disease; Myotonia congenita intermittens; Von Eulenburg paramyotonia congenita; Paramyotonia Congenita. Identifiers: Orphanet 684, MedGen C0221055, MONDO:0008195, OMIM 168300. Disease mechanism: loss of function.

gnomAD v4.1: 7 of 1,613,628 alleles (0.00043%); highest among the groups gnomAD compares: African/African-American, 0.0093%; no homozygotes.

Submissions (2):

Labcorp Genetics (formerly Invitae), Labcorp
Classification: Uncertain significance for Hyperkalemic periodic paralysis. Last evaluated: 2026-01-12. Review status: criteria provided, single submitter. Criteria: Invitae Variant Classification Sherloc (09022015). Collection method: clinical testing. Allele origin: germline.
Comment: This sequence change replaces serine, which is neutral and polar, with arginine, which is basic and polar, at codon 1211 of the SCN4A protein (p.Ser1211Arg). This variant is present in population databases (rs371546500, gnomAD 0.007%). This variant has not been reported in the literature in individuals affected with SCN4A-related conditions. ClinVar contains an entry for this variant (Variation ID: 3582658). Invitae Evidence Modeling of protein sequence and biophysical properties (such as structural, functional, and spatial information, amino acid conservation, physicochemical variation, residue mobility, and thermodynamic stability) indicates that this missense variant is not expected to disrupt SCN4A protein function with a negative predictive value of 95%. In summary, the available evidence is currently insufficient to determine the role of this variant in disease. Therefore, it has been classified as a Variant of Uncertain Significance.

Fulgent Genetics
Classification: Uncertain significance for Paramyotonia congenita of Von Eulenburg; Hyperkalemic periodic paralysis; Potassium-aggravated myotonia; Hypokalemic periodic paralysis, type 2; Congenital myasthenic syndrome 16; Congenital myopathy 22A, classic; Congenital myopathy 22B, severe fetal. Last evaluated: 2024-03-20. Review status: criteria provided, single submitter. Criteria: ACMG Guidelines, 2015. Collection method: clinical testing. Allele origin: germline.